The following is an entry in ClinVar:

NM_000081.4(LYST):c.9970G>A (p.Val3324Ile)

Genes: LYST (lysosomal trafficking regulator; minus strand), LOC126806063 (MED14-independent group 3 enhancer GRCh37_chr1:235871544-235872743; plus strand). Cytogenetic location: 1q42.3.
Variant type: single nucleotide variant.
Coding change: c.9970G>A on transcript NM_000081.4 (MANE Select); coding-DNA position 9970, G replaced by A.
Protein change: p.Val3324Ile; replaces valine 3324 with isoleucine.
Molecular consequence: missense variant.
Genome position (GRCh38, 1-based): chr1:235,709,264, C>T on the plus strand (G>A on the coding strand, the complement: LYST is on the minus strand). VCF-style: chr1-235709264-C-T. GRCh37 (hg19) VCF-style: chr1-235872564-C-T.
Other names: c.9970G>A, p.Val3324Ile (NM_001301365.1); short protein forms V3324I.
Identifiers: ClinVar variation 1478311 (VCV001478311.5), dbSNP rs771480883, ClinGen allele CA1465464.

ClinVar aggregate classification (germline): Uncertain significance (1 of 4 stars; one submission).

Conditions:
Chédiak-Higashi syndrome (CHS). Also called: Chediak-Higashi Syndrome. Identifiers: Orphanet 167, MedGen C0007965, MONDO:0008963, OMIM 214500.

Allele frequency attached by ClinVar (database versions not stated): TOPMed below 0.00001; ExAC 0.00001; gnomAD 0.00001; gnomAD exomes 0.00001.
gnomAD v4.1: 5 of 1,613,932 alleles (0.00031%); highest among the groups gnomAD compares: Admixed American, 0.0017%; no homozygotes.

Submission:

Labcorp Genetics (formerly Invitae), Labcorp
Classification: Uncertain significance for Chédiak-Higashi syndrome. Last evaluated: 2022-08-15. Review status: criteria provided, single submitter. Criteria: Invitae Variant Classification Sherloc (09022015). Collection method: clinical testing. Allele origin: germline.
Comment: This sequence change replaces valine, which is neutral and non-polar, with isoleucine, which is neutral and non-polar, at codon 3324 of the LYST protein (p.Val3324Ile). This variant is present in population databases (rs771480883, gnomAD 0.0009%). This variant has not been reported in the literature in individuals affected with LYST-related conditions. ClinVar contains an entry for this variant (Variation ID: 1478311). Algorithms developed to predict the effect of missense changes on protein structure and function are either unavailable or do not agree on the potential impact of this missense change (SIFT: "Deleterious"; PolyPhen-2: "Probably Damaging"; Align-GVGD: "Class C0"). In summary, the available evidence is currently insufficient to determine the role of this variant in disease. Therefore, it has been classified as a Variant of Uncertain Significance.